The following is an entry in ClinVar:

ClinVar aggregate classification (germline): Conflicting classifications of pathogenicity. Review status: criteria provided, conflicting classifications (1 of 4 stars). 2 submissions from 2 submitters: Uncertain significance (1); Benign (1). Last evaluated 2024-07-30.

Conditions:
Ehlers-Danlos syndrome, classic type, 1 (EDSCL1). Also called: EHLERS-DANLOS SYNDROME, GRAVIS TYPE; EHLERS-DANLOS SYNDROME, SEVERE CLASSIC TYPE; Ehlers-Danlos Syndrome, Classic Type, COL5A1-Related; EDS I; Ehlers-Danlos syndrome, type 1. Identifiers: MedGen C0268335, MONDO:0019567, OMIM 130000.
Familial thoracic aortic aneurysm and aortic dissection (TAAD). Also called: Thoracic aortic aneurysms and dissections. Identifiers: Orphanet 91387, MedGen C4707243, MONDO:0019625.

Allele frequency attached by ClinVar (database versions not stated): gnomAD exomes 0.00003 and 0.00005; ExAC 0.00006; 1000 Genomes Project 30x 0.00016; 1000 Genomes Project 0.00020; gnomAD below 0.00001 and 0.00004; TOPMed 0.00001.
gnomAD v4.1: 50 of 1,612,484 alleles (0.0031%); highest among the groups gnomAD compares: South Asian, 0.049%; 3 homozygotes.

Submissions (2):

Labcorp Genetics (formerly Invitae), Labcorp
Classification: Benign for Ehlers-Danlos syndrome, classic type, 1. Last evaluated: 2024-07-30. Review status: criteria provided, single submitter. Criteria: Invitae Variant Classification Sherloc (09022015). Collection method: clinical testing. Allele origin: germline.

Ambry Genetics
Classification: Uncertain significance for Familial thoracic aortic aneurysm and aortic dissection. Last evaluated: 2023-02-17. Review status: criteria provided, single submitter. Criteria: Ambry Variant Classification Scheme 2023. Collection method: clinical testing. Allele origin: germline.
Comment: The p.P341S variant (also known as c.1021C>T), located in coding exon 16 of the COL5A2 gene, results from a C to T substitution at nucleotide position 1021. The proline at codon 341 is replaced by serine, an amino acid with similar properties. This amino acid position is highly conserved in available vertebrate species. In addition, the in silico prediction for this alteration is inconclusive. Since supporting evidence is limited at this time, the clinical significance of this alteration remains unclear.

NM_000393.5(COL5A2):c.1021C>T (p.Pro341Ser)

Gene: COL5A2 (collagen type V alpha 2 chain; minus strand). Cytogenetic location: 2q32.2.
Variant type: single nucleotide variant.
Coding change: c.1021C>T on transcript NM_000393.5 (MANE Select); coding-DNA position 1021, C replaced by T.
Protein change: p.Pro341Ser; replaces proline 341 with serine.
Molecular consequence: missense variant.
Genome position (GRCh38, 1-based): chr2:189,078,554, G>A on the plus strand (C>T on the coding strand, the complement: COL5A2 is on the minus strand). VCF-style: chr2-189078554-G-A. GRCh37 (hg19) VCF-style: chr2-189943280-G-A.
Other names: short protein forms P341S.
Identifiers: ClinVar variation 408283 (VCV000408283.12), dbSNP rs538602187, ClinGen allele CA2022847.